The following is an entry in ClinVar:

NM_001379081.2(FREM1):c.1329C>T (p.Asp443=)

Gene: FREM1 (FRAS1 related extracellular matrix 1; minus strand). Cytogenetic location: 9p22.3.
Variant type: single nucleotide variant.
Coding change: c.1329C>T on transcript NM_001379081.2 (MANE Select); coding-DNA position 1329, C replaced by T.
Protein change: p.Asp443=; no amino-acid change (aspartic acid 443 retained).
Molecular consequence: synonymous variant. On other transcripts: non-coding transcript variant (2).
Genome position (GRCh38, 1-based): chr9:14,846,024, G>A on the plus strand (C>T on the coding strand, the complement: FREM1 is on the minus strand). VCF-style: chr9-14846024-G-A. GRCh37 (hg19) VCF-style: chr9-14846022-G-A.
Other names: c.1329C>T, p.Asp443= (NM_144966.7).
Identifiers: ClinVar variation 914320 (VCV000914320.7), dbSNP rs201393312, ClinGen allele CA4991286.

ClinVar aggregate classification (germline): Benign/Likely benign. Review status: criteria provided, multiple submitters, no conflicts (2 of 4 stars). 2 submissions from 2 submitters: Benign (1); Likely benign (1). Last evaluated 2025-08-10.

Conditions:
Oculotrichoanal syndrome (MOTA). Also called: MARLES SYNDROME; Manitoba Oculotrichoanal (MOTA) Syndrome. Identifiers: Orphanet 2717, MedGen C1855425, MONDO:0009560, OMIM 248450.

Allele frequency attached by ClinVar (database versions not stated): ESP Exome Variant Server 0.00008; gnomAD 0.00009 and 0.00013; TOPMed 0.00014; 1000 Genomes Project 30x 0.00016; 1000 Genomes Project 0.00020; gnomAD exomes 0.00023; ExAC 0.00032.
gnomAD v4.1: 285 of 1,611,500 alleles (0.018%); highest among the groups gnomAD compares: East Asian, 0.39%; no homozygotes.

Submissions (2):

Labcorp Genetics (formerly Invitae), Labcorp
Classification: Benign. Last evaluated: 2025-08-10. Review status: criteria provided, single submitter. Criteria: Invitae Variant Classification Sherloc (09022015). Collection method: clinical testing. Allele origin: germline.

Illumina Laboratory Services, Illumina
Classification: Likely benign for Oculotrichoanal syndrome. Last evaluated: 2018-01-13. Review status: criteria provided, single submitter. Criteria: ICSL Variant Classification Criteria 13 December 2019. Collection method: clinical testing. Allele origin: germline.
Comment: This variant was observed in the ICSL laboratory as part of a predisposition screen in an ostensibly healthy population. It had not been previously curated by ICSL or reported in the Human Gene Mutation Database (HGMD: prior to June 1st, 2018), and was therefore a candidate for classification through an automated scoring system. Utilizing variant allele frequency, disease prevalence and penetrance estimates, and inheritance mode, an automated score was calculated to assess if this variant is too frequent to cause the disease. Based on the score and internal cut-off values, a variant classified as likely benign is not then subjected to further curation. The score for this variant resulted in a classification of likely benign for this disease.